The following is an entry in ClinVar:

NM_001267550.2(TTN):c.99955G>A (p.Gly33319Arg)

Genes: TTN-AS1 (TTN antisense RNA 1; plus strand), TTN (titin; minus strand), LOC126806420 (BRD4-independent group 4 enhancer GRCh37_chr2:179401104-179402303; plus strand). Cytogenetic location: 2q31.2.
Variant type: single nucleotide variant.
Coding change: c.99955G>A on transcript NM_001267550.2 (MANE Select); coding-DNA position 99955, G replaced by A.
Protein change: p.Gly33319Arg; replaces glycine 33319 with arginine.
Molecular consequence: missense variant.
Genome position (GRCh38, 1-based): chr2:178,537,154, C>T on the plus strand (G>A on the coding strand, the complement: TTN is on the minus strand). VCF-style: chr2-178537154-C-T. GRCh37 (hg19) VCF-style: chr2-179401881-C-T.
Other names: c.95032G>A, p.Gly31678Arg (NM_001256850.1); c.72760G>A, p.Gly24254Arg (NM_003319.4); c.92251G>A, p.Gly30751Arg (NM_133378.4); c.73135G>A, p.Gly24379Arg (NM_133432.3); c.73336G>A, p.Gly24446Arg (NM_133437.4); short protein forms G24446R, G31678R, G24379R, G24254R, G30751R, G33319R.
Identifiers: ClinVar variation 805735 (VCV000805735.7), dbSNP rs72648279, ClinGen allele CA1986100.

ClinVar aggregate classification (germline): Uncertain significance. Review status: criteria provided, multiple submitters, no conflicts (2 of 4 stars). 4 submissions from 4 submitters: Uncertain significance (4). Last evaluated 2026-08-01.

Conditions:
Cardiovascular phenotype. Identifiers: MedGen CN230736.

Allele frequency attached by ClinVar (database versions not stated): gnomAD 0.00001; gnomAD exomes 0.00001 and 0.00002; ExAC 0.00002; TOPMed 0.00002.
gnomAD v4.1: 29 of 1,613,468 alleles (0.0018%); highest among the groups gnomAD compares: South Asian, 0.0077%; no homozygotes.

Submissions (4):

CeGaT Center for Human Genetics Tuebingen
Classification: Uncertain significance. Last evaluated: 2026-08-01. Review status: criteria provided, single submitter. Criteria: CeGaT Center For Human Genetics Tuebingen Variant Classification Criteria Version 2. Collection method: clinical testing. Allele origin: germline. Affected: yes. Observed: 1 variant allele.
Comment: TTN: PM2, BP1

Ambry Genetics
Classification: Uncertain significance for Cardiovascular phenotype. Last evaluated: 2019-10-17. Review status: criteria provided, single submitter. Criteria: Ambry Variant Classification Scheme 2023. Collection method: clinical testing. Allele origin: germline.
Comment: The p.G24254R variant (also known as c.72760G>A), located in coding exon 183 of the TTN gene, results from a G to A substitution at nucleotide position 72760. The glycine at codon 24254 is replaced by arginine, an amino acid with dissimilar properties. This amino acid position is highly conserved in available vertebrate species. In addition, the in silico prediction for this alteration is inconclusive. Since supporting evidence is limited at this time, the clinical significance of this alteration remains unclear.

Revvity Omics, Revvity
Classification: Uncertain significance. Last evaluated: 2019-08-31. Review status: criteria provided, single submitter. Criteria: ACMG Guidelines, 2015. Collection method: clinical testing. Allele origin: germline.

Athena Diagnostics
Classification: Uncertain significance. Last evaluated: 2019-06-06. Review status: criteria provided, single submitter. Criteria: Athena Diagnostics Criteria. Collection method: clinical testing. Allele origin: germline.

Literature cited by the submitters: PubMed 26567375 (cited by Athena Diagnostics).